The following is an entry in ClinVar:

NM_000393.5(COL5A2):c.3040-2A>G

Gene: COL5A2 (collagen type V alpha 2 chain; minus strand). Cytogenetic location: 2q32.2.
Variant type: single nucleotide variant.
Coding change: c.3040-2A>G on transcript NM_000393.5 (MANE Select); the canonical splice acceptor site of the intron before coding-DNA position 3040, A replaced by G.
Molecular consequence: splice acceptor variant.
Genome position (GRCh38, 1-based): chr2:189,049,456, T>C on the plus strand (A>G on the coding strand, the complement: COL5A2 is on the minus strand). VCF-style: chr2-189049456-T-C. GRCh37 (hg19) VCF-style: chr2-189914182-T-C.
Identifiers: ClinVar variation 4055755 (VCV004055755.1).

ClinVar aggregate classification (germline): Likely pathogenic (1 of 4 stars; one submission).

Submission:

GeneDx
Classification: Likely pathogenic. Last evaluated: 2025-01-07. Review status: criteria provided, single submitter. Criteria: GeneDx Variant Classification Process June 2021. Collection method: clinical testing. Allele origin: germline. Affected: yes.
Comment: Damages or destroys the splice acceptor site in intron 43, and is expected to cause abnormal gene splicing; if the splice outcome is exon skip, the loss of the encoded residues in the triple helical region is expected to disrupt normal protein folding and function (PMID: 22696272; HGMD); Not observed at significant frequency in large population cohorts (gnomAD); Canonical splice site variant with an unclear effect on protein function; This variant is associated with the following publications: (PMID: 22696272)